The following is an entry in ClinVar:

NM_020778.5(ALPK3):c.2434C>A (p.Gln812Lys)

Gene: ALPK3 (alpha kinase 3; plus strand). Cytogenetic location: 15q25.3.
Variant type: single nucleotide variant.
Coding change: c.2434C>A on transcript NM_020778.5 (MANE Select); coding-DNA position 2434, C replaced by A.
Protein change: p.Gln812Lys; replaces glutamine 812 with lysine.
Molecular consequence: missense variant.
Genome position (GRCh38, 1-based): chr15:84,857,172, C>A. VCF-style: chr15-84857172-C-A. GRCh37 (hg19) VCF-style: chr15-85400403-C-A.
Other names: short protein forms Q812K.
Identifiers: ClinVar variation 1799160 (VCV001799160.5), dbSNP rs2505720215, ClinGen allele CA393357135.

ClinVar aggregate classification (germline): Uncertain significance. Review status: criteria provided, multiple submitters, no conflicts (2 of 4 stars). 2 submissions from 2 submitters: Uncertain significance (2). Last evaluated 2025-01-07.

Conditions:
Cardiovascular phenotype. Identifiers: MedGen CN230736.

Allele frequency attached by ClinVar (database versions not stated): gnomAD exomes below 0.00001.

Submissions (2):

Ambry Genetics
Classification: Uncertain significance for Cardiovascular phenotype. Last evaluated: 2025-01-07. Review status: criteria provided, single submitter. Criteria: Ambry Variant Classification Scheme 2023. Collection method: clinical testing. Allele origin: germline.
Comment: The p.Q1014K variant (also known as c.3040C>A), located in coding exon 6 of the ALPK3 gene, results from a C to A substitution at nucleotide position 3040. The glutamine at codon 1014 is replaced by lysine, an amino acid with similar properties. This amino acid position is not well conserved in available vertebrate species. In addition, this alteration is predicted to be tolerated by in silico analysis. Since supporting evidence is limited at this time, the clinical significance of this alteration remains unclear.

Labcorp Genetics (formerly Invitae), Labcorp
Classification: Uncertain significance. Last evaluated: 2024-02-18. Review status: criteria provided, single submitter. Criteria: Invitae Variant Classification Sherloc (09022015). Collection method: clinical testing. Allele origin: germline.
Comment: This sequence change replaces glutamine, which is neutral and polar, with lysine, which is basic and polar, at codon 1014 of the ALPK3 protein (p.Gln1014Lys). This variant is not present in population databases (gnomAD no frequency). This variant has not been reported in the literature in individuals affected with ALPK3-related conditions. ClinVar contains an entry for this variant (Variation ID: 1799160). An algorithm developed to predict the effect of missense changes on protein structure and function (PolyPhen-2) suggests that this variant is likely to be tolerated. In summary, the available evidence is currently insufficient to determine the role of this variant in disease. Therefore, it has been classified as a Variant of Uncertain Significance.